The following is an entry in ClinVar:

ClinVar aggregate classification (germline): Uncertain significance (1 of 4 stars; one submission).

Conditions:
Ataxia-telangiectasia syndrome (AT). Also called: Ataxia-telangiectasia, complementation group D; AT, COMPLEMENTATION GROUP C; ATAXIA-TELANGIECTASIA, COMPLEMENTATION GROUP A; ATAXIA-TELANGIECTASIA, FRESNO VARIANT; Ataxia-telangiectasia; Ataxia-telangiectasia, complementation group E. Identifiers: Orphanet 100, MedGen C0004135, MONDO:0008840, OMIM 208900.

Submission:

Labcorp Genetics (formerly Invitae), Labcorp
Classification: Uncertain significance for Ataxia-telangiectasia syndrome. Last evaluated: 2024-03-27. Review status: criteria provided, single submitter. Criteria: Invitae Variant Classification Sherloc (09022015). Collection method: clinical testing. Allele origin: germline.
Comment: This sequence change replaces alanine, which is neutral and non-polar, with aspartic acid, which is acidic and polar, at codon 2420 of the ATM protein (p.Ala2420Asp). This variant is not present in population databases (gnomAD no frequency). This variant has not been reported in the literature in individuals affected with ATM-related conditions. An algorithm developed to predict the effect of missense changes on protein structure and function (PolyPhen-2) suggests that this variant is likely to be disruptive. In summary, the available evidence is currently insufficient to determine the role of this variant in disease. Therefore, it has been classified as a Variant of Uncertain Significance.

NM_000051.4(ATM):c.7259C>A (p.Ala2420Asp)

Genes: ATM (ATM serine/threonine kinase; plus strand), C11orf65 (chromosome 11 open reading frame 65; minus strand). Cytogenetic location: 11q22.3.
Variant type: single nucleotide variant.
Coding change: c.7259C>A on transcript NM_000051.4 (MANE Select); coding-DNA position 7259, C replaced by A.
Protein change: p.Ala2420Asp; replaces alanine 2420 with aspartic acid.
Molecular consequence: missense variant. On other transcripts: intron variant (2).
Genome position (GRCh38, 1-based): chr11:108,329,190, C>A. VCF-style: chr11-108329190-C-A. GRCh37 (hg19) VCF-style: chr11-108199917-C-A.
Other names: c.7259C>A, p.Ala2420Asp (NM_001351834.2); c.641-20119G>T (NM_001330368.2); c.*38+6030G>T (NM_001351110.2); short protein forms A2420D.
Identifiers: ClinVar variation 3647774 (VCV003647774.2).